The following is an entry in ClinVar:

NM_001349206.2(LPIN1):c.1924G>A (p.Ala642Thr)

Gene: LPIN1 (lipin 1; plus strand). Cytogenetic location: 2p25.1.
Variant type: single nucleotide variant.
Coding change: c.1924G>A on transcript NM_001349206.2 (MANE Select); coding-DNA position 1924, G replaced by A.
Protein change: p.Ala642Thr; replaces alanine 642 with threonine.
Molecular consequence: missense variant. On other transcripts: non-coding transcript variant (1).
Genome position (GRCh38, 1-based): chr2:11,802,944, G>A. VCF-style: chr2-11802944-G-A. GRCh37 (hg19) VCF-style: chr2-11943070-G-A.
Other names: c.1963G>A, p.Ala655Thr (NM_001349208.2); c.1816G>A, p.Ala606Thr (NM_145693.4, NM_001349199.2); c.1834G>A, p.Ala612Thr (NM_001261427.3); c.2071G>A, p.Ala691Thr (NM_001261428.3); c.1894G>A, p.Ala632Thr (NM_001349200.2, NM_001349201.2); c.1921G>A, p.Ala641Thr (NM_001349202.2, NM_001349203.2); c.1924G>A, p.Ala642Thr (NM_001349204.2, NM_001349205.2); c.2014G>A, p.Ala672Thr (NM_001349207.2); short protein forms A606T, A642T, A641T, A672T, A632T, A691T, A612T, A655T.
Identifiers: ClinVar variation 330919 (VCV000330919.11), dbSNP rs200394034, ClinGen allele CA1533931.

ClinVar aggregate classification (germline): Uncertain significance. Review status: criteria provided, multiple submitters, no conflicts (2 of 4 stars). 2 submissions from 2 submitters: Uncertain significance (2). Last evaluated 2025-11-24.

Conditions:
Myoglobinuria, acute recurrent, autosomal recessive. Also called: MYOGLOBINURIA, FAMILIAL PAROXYSMAL PARALYTIC; RHABDOMYOLYSIS, ACUTE RECURRENT; Myoglobinuria, recurrent, autosomal recessive. Identifiers: Orphanet 99845, MedGen C1849386, MONDO:0009992, OMIM 268200.

Allele frequency attached by ClinVar (database versions not stated): gnomAD 0.00003; TOPMed 0.00014.

Submissions (2):

Labcorp Genetics (formerly Invitae), Labcorp
Classification: Uncertain significance. Last evaluated: 2025-11-24. Review status: criteria provided, single submitter. Criteria: Invitae Variant Classification Sherloc (09022015). Collection method: clinical testing. Allele origin: germline.
Comment: This sequence change replaces alanine, which is neutral and non-polar, with threonine, which is neutral and polar, at codon 606 of the LPIN1 protein (p.Ala606Thr). This variant is present in population databases (rs200394034, gnomAD 0.02%). This variant has not been reported in the literature in individuals affected with LPIN1-related conditions. ClinVar contains an entry for this variant (Variation ID: 330919). Invitae Evidence Modeling of protein sequence and biophysical properties (such as structural, functional, and spatial information, amino acid conservation, physicochemical variation, residue mobility, and thermodynamic stability) indicates that this missense variant is not expected to disrupt LPIN1 protein function with a negative predictive value of 80%. In summary, the available evidence is currently insufficient to determine the role of this variant in disease. Therefore, it has been classified as a Variant of Uncertain Significance.

Illumina Laboratory Services, Illumina
Classification: Uncertain significance for Myoglobinuria, acute recurrent, autosomal recessive. Last evaluated: 2018-01-13. Review status: criteria provided, single submitter. Criteria: ICSL Variant Classification Criteria 13 December 2019. Collection method: clinical testing. Allele origin: germline.